The following is an entry in ClinVar:

NM_000128.4(F11):c.791T>G (p.Leu264Trp)

Gene: F11 (coagulation factor XI; plus strand). Cytogenetic location: 4q35.2.
Variant type: single nucleotide variant.
Coding change: c.791T>G on transcript NM_000128.4 (MANE Select); coding-DNA position 791, T replaced by G.
Protein change: p.Leu264Trp; replaces leucine 264 with tryptophan.
Molecular consequence: missense variant.
Genome position (GRCh38, 1-based): chr4:186,280,047, T>G. VCF-style: chr4-186280047-T-G. GRCh37 (hg19) VCF-style: chr4-187201201-T-G.
Other names: short protein forms L264W.
Identifiers: ClinVar variation 1703827 (VCV001703827.1), dbSNP rs2477323886, ClinGen allele CA358937076.

ClinVar aggregate classification (germline): Uncertain significance (1 of 4 stars; one submission).

Conditions:
Hereditary factor XI deficiency disease. Also called: Congenital factor XI deficiency; PLASMA THROMBOPLASTIN ANTECEDENT DEFICIENCY; PTA DEFICIENCY; ROSENTHAL SYNDROME. Identifiers: Orphanet 329, MedGen C0015523, MeSH D005173, MONDO:0012897, OMIM 612416.

Submission:

ISTH-SSC Genomics in Thrombosis and Hemostasis, KU Leuven, Center for Molecular and Vascular Biology
Classification: Uncertain significance for Hereditary factor XI deficiency disease. Review status: criteria provided, single submitter. Criteria: ACMG Guidelines, 2015. Collection method: clinical testing. Allele origin: germline. Affected: yes. Observed: 1 heterozygote.
Comment: Submitted to GoldVariant by Kathleen Freson, Center for Molecular and Vascular Biology, Leuven, Belgium